The following is an entry in ClinVar:

NM_032816.5(CEP89):c.2351A>T (p.Ter784Leu)

Gene: CEP89 (centrosomal protein 89; minus strand). Cytogenetic location: 19q13.11.
Variant type: single nucleotide variant.
Coding change: c.2351A>T on transcript NM_032816.5 (MANE Select); coding-DNA position 2351, A replaced by T.
Protein change: p.Ter784Leu.
Molecular consequence: stop lost.
Genome position (GRCh38, 1-based): chr19:32,879,163, T>A on the plus strand (A>T on the coding strand, the complement: CEP89 is on the minus strand). VCF-style: chr19-32879163-T-A. GRCh37 (hg19) VCF-style: chr19-33370069-T-A.
Identifiers: ClinVar variation 2195354 (VCV002195354.4), dbSNP rs780316076, ClinGen allele CA9359012.

ClinVar aggregate classification (germline): Uncertain significance (1 of 4 stars; one submission).

Allele frequency attached by ClinVar (database versions not stated): TOPMed 0.00003.
gnomAD v4.1: 20 of 1,605,942 alleles (0.0012%); highest among the groups gnomAD compares: Admixed American, 0.034%; no homozygotes.

Submission:

Labcorp Genetics (formerly Invitae), Labcorp
Classification: Uncertain significance. Last evaluated: 2024-03-24. Review status: criteria provided, single submitter. Criteria: Invitae Variant Classification Sherloc (09022015). Collection method: clinical testing. Allele origin: germline.
Comment: This sequence change disrupts the translational stop signal of the CEP89 mRNA. It is expected to extend the length of the CEP89 protein by 8 additional amino acid residues. This variant is present in population databases (rs780316076, gnomAD 0.02%). This variant has not been reported in the literature in individuals affected with CEP89-related conditions. ClinVar contains an entry for this variant (Variation ID: 2195354). Experimental studies and prediction algorithms are not available or were not evaluated, and the functional significance of this variant is currently unknown. In summary, the available evidence is currently insufficient to determine the role of this variant in disease. Therefore, it has been classified as a Variant of Uncertain Significance.